The following is an entry in ClinVar:

ClinVar aggregate classification (germline): Uncertain significance. Review status: criteria provided, single submitter (1 of 4 stars). 2 submissions from 2 submitters: Uncertain significance (1). 1 of the submissions does not count toward it. Last evaluated 2026-04-01.

Conditions:
GLB1-related disorder. Also called: GLB1-related disorders. Identifiers: MedGen CN377807.
Infantile GM1 gangliosidosis. Also called: GM1-gangliosidosis, type I; Gangliosidosis, generalized GM1, infantile form; GLB1 deficiency; GM1 gangliosidosis type 1; Gangliosidosis, Generalized GM1, Type 1. Identifiers: Orphanet 354, Orphanet 79255, MedGen C0268271, MONDO:0009260, OMIM 230500.
GM1 gangliosidosis type 2. Also called: Gangliosidosis, Generalized GM1, Type 2; GM1-GANGLIOSIDOSIS, TYPE II; GANGLIOSIDOSIS, GENERALIZED GM1, JUVENILE TYPE; GANGLIOSIDOSIS, GENERALIZED GM1, TYPE II; Juvenile GM>1< gangliosidosis. Identifiers: Orphanet 354, Orphanet 79256, MedGen C0268272, MONDO:0009261, OMIM 230600.
Mucopolysaccharidosis, MPS-IV-B (MPS4B). Also called: Mucopolysaccharidosis type 4B; Mucopolysaccharidosis type IVB (Morquio); MPS IVB; Mucopolysaccharidosis type IV B; Mucopolysaccharidosis Type IVB (Morquio B Disease); MORQUIO SYNDROME B. Identifiers: Orphanet 309310, Orphanet 582, MedGen C0086652, MONDO:0009660, OMIM 253010.
GM1 gangliosidosis type 3. Also called: Gangliosidosis, Generalized GM1, Type 3; GM1-GANGLIOSIDOSIS, TYPE III; GANGLIOSIDOSIS, GENERALIZED GM1, ADULT TYPE; GANGLIOSIDOSIS, GENERALIZED GM1, CHRONIC TYPE; GANGLIOSIDOSIS, GENERALIZED GM1, TYPE III; Beta-galactosidase deficiency. Identifiers: Orphanet 79257, MedGen C0268273, MONDO:0009262, OMIM 230650.

Allele frequency attached by ClinVar (database versions not stated): gnomAD exomes below 0.00001; gnomAD 0.00001; TOPMed 0.00001.
gnomAD v4.1: 3 of 1,613,964 alleles (0.00019%); highest among the groups gnomAD compares: Non-Finnish European, 0.00025%; no homozygotes.

Submissions (2):

PreventionGenetics, part of Exact Sciences
Classification: Uncertain significance for GLB1-related condition. Last evaluated: 2026-04-01. Review status: criteria provided, single submitter. Criteria: ACMG Guidelines, 2015. Collection method: clinical testing. Allele origin: germline.
Comment: The GLB1 c.797A>G variant is predicted to result in the amino acid substitution p.Asn266Ser. This variant has been reported in the absence of a second potentially causative variant in an individual with gangliosidosis with patient fibroblasts exhibiting <2% of wildtype enzymatic activity (Kaye et al. 1997. PubMed ID: 9203065). A functional study shows this variant results in reduced beta galactosidase activity compared to wildtype (Takai et al. 2013. PubMed ID: 23337983). This variant has not been reported in a large population database (gnomAD), indicating this variant is rare. Although we suspect that this variant may be pathogenic, at this time, the clinical significance of this variant is uncertain due to the absence of conclusive functional and genetic evidence.

Counsyl
Classification: Uncertain significance for Infantile GM1 gangliosidosis; GM1 gangliosidosis type 2; GM1 gangliosidosis type 3; Mucopolysaccharidosis, MPS-IV-B. Last evaluated: 2017-12-05. Review status: no assertion criteria provided. Collection method: clinical testing. Allele origin: unknown. Not counted in ClinVar's aggregate classification.

Literature cited by the submitters: PubMed 22128166 (cited by Counsyl); PubMed 23337983 (cited by Counsyl); PubMed 21520340 (cited by Counsyl); PubMed 9203065 (cited by Counsyl).

NM_000404.4(GLB1):c.797A>G (p.Asn266Ser)

Gene: GLB1 (galactosidase beta 1; minus strand). Cytogenetic location: 3p22.3.
Variant type: single nucleotide variant.
Coding change: c.797A>G on transcript NM_000404.4 (MANE Select); coding-DNA position 797, A replaced by G.
Protein change: p.Asn266Ser; replaces asparagine 266 with serine.
Molecular consequence: missense variant.
Genome position (GRCh38, 1-based): chr3:33,052,000, T>C on the plus strand (A>G on the coding strand, the complement: GLB1 is on the minus strand). VCF-style: chr3-33052000-T-C. GRCh37 (hg19) VCF-style: chr3-33093492-T-C.
Other names: c.707A>G, p.Asn236Ser (NM_001079811.3); c.404A>G, p.Asn135Ser (NM_001135602.3); c.941A>G, p.Asn314Ser (NM_001317040.2); c.797A>G, p.Asn266Ser (NM_001393580.1); c.797A>G (NM_000404.3); short protein forms N266S, N135S, N236S, N314S.
Identifiers: ClinVar variation 555028 (VCV000555028.3), dbSNP rs1214295886, ClinGen allele CA352001735.
Genomic context (GRCh38, chr3:33,052,000, plus strand): 5'-GTCTTGATTGTGGAGTGAGGTTGGCCCCAGTGATCTAGCCAGCCAGTATAGAATTCAGAA[T>C]TGATCTAAAACAAAAAAAGAACGTAGCCCTTAGGATAGACTTATGACCTTCCAATGCCAG-3'
Protein context (NP_000395.3, residues 256-276): RKCEPKGPLI[Asn266Ser]SEFYTGWLDH